The following is an entry in ClinVar:

NM_020975.6(RET):c.16T>C (p.Ser6Pro)

Genes: RET (ret proto-oncogene; plus strand), LOC106736614 (RET 5' regulatory region; plus strand). Cytogenetic location: 10q11.21.
Variant type: single nucleotide variant.
Coding change: c.16T>C on transcript NM_020975.6 (MANE Select); coding-DNA position 16, T replaced by C.
Protein change: p.Ser6Pro; replaces serine 6 with proline.
Molecular consequence: missense variant.
Genome position (GRCh38, 1-based): chr10:43,077,274, T>C. VCF-style: chr10-43077274-T-C. GRCh37 (hg19) VCF-style: chr10-43572722-T-C.
Other names: c.16T>C, p.Ser6Pro (NM_001406761.1, NM_001406762.1, NM_001406763.1 and 38 more transcripts); short protein forms S6P.
Identifiers: ClinVar variation 1011760 (VCV001011760.10), dbSNP rs1588848475, ClinGen allele CA376768025.
Genomic context (GRCh38, chr10:43,077,274, plus strand): 5'-CCCTAGCCGCAGTCCCTCCAGCCGTGGCCCCAGCGCGCACGGGCGATGGCGAAGGCGACG[T>C]CCGGTGCCGCGGGGCTGCGTCTGCTGTTGCTGCTGCTGCTGCCGCTGCTAGGCAAAGGTG-3'
Protein context (NP_066124.1, residues 1-16): MAKAT[Ser6Pro]GAAGLRLLLL

ClinVar aggregate classification (germline): Uncertain significance. Review status: criteria provided, multiple submitters, no conflicts (2 of 4 stars). 2 submissions from 2 submitters: Uncertain significance (2). Last evaluated 2024-08-09.

Conditions:
Hereditary cancer-predisposing syndrome. Also called: Hereditary Cancer Syndrome; Tumor predisposition; Neoplastic Syndromes, Hereditary; Hereditary neoplastic syndrome. Identifiers: Orphanet 140162, MedGen C0027672, MeSH D009386, MONDO:0015356.
Multiple endocrine neoplasia, type 2 (MEN2). Identifiers: Orphanet 653, MedGen C4048306, MONDO:0019003. Disease mechanism: gain of function.

Submissions (2):

Ambry Genetics
Classification: Uncertain significance for Hereditary cancer-predisposing syndrome. Last evaluated: 2024-08-09. Review status: criteria provided, single submitter. Criteria: Ambry Variant Classification Scheme 2023. Collection method: clinical testing. Allele origin: germline.
Comment: The p.S6P variant (also known as c.16T>C), located in coding exon 1 of the RET gene, results from a T to C substitution at nucleotide position 16. The serine at codon 6 is replaced by proline, an amino acid with similar properties. This amino acid position is poorly conserved in available vertebrate species. In addition, the in silico prediction for this alteration is inconclusive. Based on the available evidence, the clinical significance of this variant remains unclear.

Labcorp Genetics (formerly Invitae), Labcorp
Classification: Uncertain significance for Multiple endocrine neoplasia, type 2. Last evaluated: 2020-03-23. Review status: criteria provided, single submitter. Criteria: Invitae Variant Classification Sherloc (09022015). Collection method: clinical testing. Allele origin: germline.
Comment: This sequence change replaces serine with proline at codon 6 of the RET protein (p.Ser6Pro). The serine residue is weakly conserved and there is a moderate physicochemical difference between serine and proline. The frequency data for this variant in the population databases is considered unreliable, as metrics indicate insufficient coverage at this position in the ExAC database. This variant has not been reported in the literature in individuals with RET-related conditions. Algorithms developed to predict the effect of missense changes on protein structure and function are either unavailable or do not agree on the potential impact of this missense change (SIFT: "Deleterious"; PolyPhen-2: "Benign"; Align-GVGD: "Class C0"). In summary, the available evidence is currently insufficient to determine the role of this variant in disease. Therefore, it has been classified as a Variant of Uncertain Significance.